The following is an entry in ClinVar:

ClinVar aggregate classification (germline): Uncertain significance (1 of 4 stars; one submission).

gnomAD v4.1: 1 of 1,610,898 alleles (0.000062%); highest among the groups gnomAD compares: East Asian, 0.0022%; no homozygotes.

Submission:

Labcorp Genetics (formerly Invitae), Labcorp
Classification: Uncertain significance. Last evaluated: 2024-07-30. Review status: criteria provided, single submitter. Criteria: Invitae Variant Classification Sherloc (09022015). Collection method: clinical testing. Allele origin: germline.
Comment: This sequence change replaces methionine, which is neutral and non-polar, with threonine, which is neutral and polar, at codon 807 of the CLCN6 protein (p.Met807Thr). This variant is not present in population databases (gnomAD no frequency). This variant has not been reported in the literature in individuals affected with CLCN6-related conditions. An algorithm developed to predict the effect of missense changes on protein structure and function (PolyPhen-2) suggests that this variant is likely to be disruptive. In summary, the available evidence is currently insufficient to determine the role of this variant in disease. Therefore, it has been classified as a Variant of Uncertain Significance.

NM_001286.5(CLCN6):c.2420T>C (p.Met807Thr)

Gene: CLCN6 (chloride voltage-gated channel 6; plus strand). Cytogenetic location: 1p36.22.
Variant type: single nucleotide variant.
Coding change: c.2420T>C on transcript NM_001286.5 (MANE Select); coding-DNA position 2420, T replaced by C.
Protein change: p.Met807Thr; replaces methionine 807 with threonine.
Molecular consequence: missense variant. On other transcripts: non-coding transcript variant (1).
Genome position (GRCh38, 1-based): chr1:11,838,551, T>C. VCF-style: chr1-11838551-T-C. GRCh37 (hg19) VCF-style: chr1-11898608-T-C.
Other names: c.2354T>C, p.Met785Thr (NM_001256959.2); short protein forms M785T, M807T.
Identifiers: ClinVar variation 3660217 (VCV003660217.2).